The following is an entry in ClinVar:

ClinVar aggregate classification (germline): Pathogenic (1 of 4 stars; one submission).

Conditions:
Familial hemophagocytic lymphohistiocytosis 3 (FHL3). Also called: UNC13D-Related Familial Hemophagocytic Lymphohistiocytosis (UNC13D-fHLH). Identifiers: Orphanet 540, MedGen C1837174, MONDO:0012146, OMIM 608898.

Allele frequency attached by ClinVar (database versions not stated): gnomAD 0.00003; gnomAD exomes 0.00003.

Submission:

Labcorp Genetics (formerly Invitae), Labcorp
Classification: Pathogenic for Familial hemophagocytic lymphohistiocytosis 3. Last evaluated: 2022-08-16. Review status: criteria provided, single submitter. Criteria: Invitae Variant Classification Sherloc (09022015). Collection method: clinical testing. Allele origin: germline.
Comment: This sequence change creates a premature translational stop signal (p.Glu755Aspfs*41) in the UNC13D gene. It is expected to result in an absent or disrupted protein product. Loss-of-function variants in UNC13D are known to be pathogenic (PMID: 14622600). This variant is present in population databases (no rsID available, gnomAD 0.003%). This variant has not been reported in the literature in individuals affected with UNC13D-related conditions. For these reasons, this variant has been classified as Pathogenic.

Literature cited by the submitters: PubMed 14622600.

NM_199242.3(UNC13D):c.2264_2265insCC (p.Glu755fs)

Gene: UNC13D (unc-13 homolog D; minus strand). Cytogenetic location: 17q25.1.
Variant type: Insertion.
Coding change: c.2264_2265insCC on transcript NM_199242.3 (MANE Select); coding-DNA positions 2264 to 2265, CC inserted.
Protein change: p.Glu755fs; shifts the reading frame from glutamic acid 755.
Molecular consequence: frameshift variant.
Genome position: GRCh38 VCF-style: chr17-75834358-C-CGG. GRCh37 (hg19) VCF-style: chr17-73830439-C-CGG.
Other names: short protein forms E755fs.
Identifiers: ClinVar variation 2167991 (VCV002167991.1), dbSNP rs1483109904, ClinGen allele CA502049713.